The following is an entry in ClinVar:

NM_006431.3(CCT2):c.1489T>G (p.Phe497Val)

Gene: CCT2 (chaperonin containing TCP1 subunit 2; plus strand). Cytogenetic location: 12q15.
Variant type: single nucleotide variant.
Coding change: c.1489T>G on transcript NM_006431.3 (MANE Select); coding-DNA position 1489, T replaced by G.
Protein change: p.Phe497Val; replaces phenylalanine 497 with valine.
Molecular consequence: missense variant.
Genome position (GRCh38, 1-based): chr12:69,599,916, T>G. VCF-style: chr12-69599916-T-G. GRCh37 (hg19) VCF-style: chr12-69993696-T-G.
Other names: c.1348T>G, p.Phe450Val (NM_001198842.2); short protein forms F497V, F450V.
Identifiers: ClinVar variation 957753 (VCV000957753.10), dbSNP rs1446516369, ClinGen allele CA385731763.

ClinVar aggregate classification (germline): Uncertain significance. Review status: criteria provided, multiple submitters, no conflicts (2 of 4 stars). 2 submissions from 2 submitters: Uncertain significance (2). Last evaluated 2025-06-17.

Allele frequency attached by ClinVar (database versions not stated): gnomAD exomes below 0.00001 and 0.00001; gnomAD 0.00001; TOPMed 0.00001.
gnomAD v4.1: 14 of 1,613,888 alleles (0.00087%); highest among the groups gnomAD compares: Non-Finnish European, 0.0011%; no homozygotes.

Submissions (2):

Ambry Genetics
Classification: Uncertain significance. Last evaluated: 2025-06-17. Review status: criteria provided, single submitter. Criteria: Ambry Variant Classification Scheme 2023. Collection method: clinical testing. Allele origin: germline.

Labcorp Genetics (formerly Invitae), Labcorp
Classification: Uncertain significance. Last evaluated: 2019-09-03. Review status: criteria provided, single submitter. Criteria: Invitae Variant Classification Sherloc (09022015). Collection method: clinical testing. Allele origin: germline.
Comment: This sequence change replaces phenylalanine with valine at codon 497 of the CCT2 protein (p.Phe497Val). The phenylalanine residue is highly conserved and there is a small physicochemical difference between phenylalanine and valine. This variant is not present in population databases (ExAC no frequency). This variant has not been reported in the literature in individuals with CCT2-related conditions. Algorithms developed to predict the effect of missense changes on protein structure and function are either unavailable or do not agree on the potential impact of this missense change (SIFT: "Deleterious"; PolyPhen-2: "Possibly Damaging"; Align-GVGD: "Class C15"). In summary, the available evidence is currently insufficient to determine the role of this variant in disease. Therefore, it has been classified as a Variant of Uncertain Significance.